The following is an entry in ClinVar:

NM_007209.4(RPL35):c.190A>G (p.Thr64Ala)

Gene: RPL35 (ribosomal protein L35; minus strand). Cytogenetic location: 9q33.3.
Variant type: single nucleotide variant.
Coding change: c.190A>G on transcript NM_007209.4 (MANE Select); coding-DNA position 190, A replaced by G.
Protein change: p.Thr64Ala; replaces threonine 64 with alanine.
Molecular consequence: missense variant.
Genome position (GRCh38, 1-based): chr9:124,860,215, T>C on the plus strand (A>G on the coding strand, the complement: RPL35 is on the minus strand). VCF-style: chr9-124860215-T-C. GRCh37 (hg19) VCF-style: chr9-127622494-T-C.
Other names: short protein forms T64A.
Identifiers: ClinVar variation 4718300 (VCV004718300.1).

ClinVar aggregate classification (germline): Uncertain significance (1 of 4 stars; one submission).

gnomAD v4.1: 1 of 1,614,062 alleles (0.000062%); highest among the groups gnomAD compares: South Asian, 0.0011%; no homozygotes.

Submission:

Labcorp Genetics (formerly Invitae), Labcorp
Classification: Uncertain significance. Last evaluated: 2025-04-24. Review status: criteria provided, single submitter. Criteria: Invitae Variant Classification Sherloc (09022015). Collection method: clinical testing. Allele origin: germline.
Comment: This sequence change replaces threonine, which is neutral and polar, with alanine, which is neutral and non-polar, at codon 64 of the RPL35 protein (p.Thr64Ala). This variant is not present in population databases (gnomAD no frequency). This variant has not been reported in the literature in individuals affected with RPL35-related conditions. An algorithm developed to predict the effect of missense changes on protein structure and function (PolyPhen-2) suggests that this variant is likely to be tolerated. In summary, the available evidence is currently insufficient to determine the role of this variant in disease. Therefore, it has been classified as a Variant of Uncertain Significance.